The following is an entry in ClinVar:

NM_001379200.1(TBX1):c.1471G>T (p.Ala491Ser)

Gene: TBX1 (T-box transcription factor 1; plus strand). Cytogenetic location: 22q11.21.
Variant type: single nucleotide variant.
Coding change: c.1471G>T on transcript NM_001379200.1 (MANE Select); coding-DNA position 1471, G replaced by T.
Protein change: p.Ala491Ser; replaces alanine 491 with serine.
Molecular consequence: missense variant. On other transcripts: intron variant (2).
Genome position (GRCh38, 1-based): chr22:19,766,823, G>T. VCF-style: chr22-19766823-G-T. GRCh37 (hg19) VCF-style: chr22-19754346-G-T.
Other names: c.1444G>T, p.Ala482Ser (NM_080647.1); c.1009+821G>T (NM_005992.1, NM_080646.2); short protein forms A482S, A491S.
Identifiers: ClinVar variation 4782281 (VCV004782281.1).

ClinVar aggregate classification (germline): Uncertain significance (1 of 4 stars; one submission).

Conditions:
DiGeorge syndrome. Also called: Catch22; THIRD AND FOURTH PHARYNGEAL POUCH SYNDROME. Identifiers: Orphanet 567, MedGen C0012236, MONDO:0008564, OMIM 188400.

gnomAD v4.1: 2 of 1,562,690 alleles (0.00013%); highest among the groups gnomAD compares: South Asian, 0.0011%; no homozygotes.

Submission:

Labcorp Genetics (formerly Invitae), Labcorp
Classification: Uncertain significance for DiGeorge syndrome. Last evaluated: 2025-08-23. Review status: criteria provided, single submitter. Criteria: Invitae Variant Classification Sherloc (09022015). Collection method: clinical testing. Allele origin: germline.
Comment: This sequence change replaces alanine, which is neutral and non-polar, with serine, which is neutral and polar, at codon 482 of the TBX1 protein (p.Ala482Ser). This variant is not present in population databases (gnomAD no frequency). This variant has not been reported in the literature in individuals affected with TBX1-related conditions. An algorithm developed to predict the effect of missense changes on protein structure and function (PolyPhen-2) suggests that this variant is likely to be disruptive. In summary, the available evidence is currently insufficient to determine the role of this variant in disease. Therefore, it has been classified as a Variant of Uncertain Significance.